The following is an entry in ClinVar:

NM_006517.5(SLC16A2):c.1451G>T (p.Gly484Val)

Gene: SLC16A2 (solute carrier family 16 member 2; plus strand). Cytogenetic location: Xq13.2.
Variant type: single nucleotide variant.
Coding change: c.1451G>T on transcript NM_006517.5 (MANE Select); coding-DNA position 1451, G replaced by T.
Protein change: p.Gly484Val; replaces glycine 484 with valine.
Molecular consequence: missense variant.
Genome position (GRCh38, 1-based): chrX:74,531,384, G>T. VCF-style: chrX-74531384-G-T. GRCh37 (hg19) VCF-style: chrX-73751219-G-T.
Other names: short protein forms G484V.
Identifiers: ClinVar variation 161647 (VCV000161647.2), dbSNP rs193920756, ClinGen allele CA174523.

ClinVar aggregate classification (germline): Uncertain significance (0 of 4 stars; one submission).

Conditions:
Prostate cancer. Also called: Malignant tumor of prostate. Identifiers: Orphanet 1331, MedGen C0376358, MONDO:0008315, HP:0012125.

Submission:

Science for Life laboratory,  Karolinska Institutet
Classification: Uncertain significance for Malignant tumor of prostate. Review status: no assertion criteria provided. Collection method: not provided. Allele origin: somatic.
Comment: TumorID:SWE-1
ClinVar note: Converted during submission from Unknown to Uncertain significance.